The following is an entry in ClinVar:

ClinVar aggregate classification (germline): Uncertain significance (1 of 4 stars; one submission).

Submission:

Labcorp Genetics (formerly Invitae), Labcorp
Classification: Uncertain significance. Last evaluated: 2025-10-15. Review status: criteria provided, single submitter. Criteria: Invitae Variant Classification Sherloc (09022015). Collection method: clinical testing. Allele origin: germline.
Comment: This sequence change falls in intron 9 of the ARID1A gene. It does not directly change the encoded amino acid sequence of the ARID1A protein. Information on the frequency of this variant in the gnomAD database is not available, as this variant may be reported differently in the database. This variant has not been reported in the literature in individuals affected with ARID1A-related conditions. ClinVar contains an entry for this variant (Variation ID: 3609521). Experimental studies and prediction algorithms are not available or were not evaluated, and the effect of this variant on mRNA splicing is currently unknown. In summary, the available evidence is currently insufficient to determine the role of this variant in disease. Therefore, it has been classified as a Variant of Uncertain Significance.

NM_006015.6(ARID1A):c.2878+12_2878+13delinsGG

Gene: ARID1A (AT-rich interaction domain 1A; plus strand). Cytogenetic location: 1p36.11.
Variant type: Indel.
Coding change: c.2878+12_2878+13delinsGG on transcript NM_006015.6 (MANE Select); bases 12 to 13 of the intron after coding-DNA position 2878, TC replaced by GG.
Molecular consequence: intron variant.
Genome position (GRCh38, 1-based): chr1:26,766,378-26,766,379, TC replaced by GG. VCF-style: chr1-26766378-TC-GG. GRCh37 (hg19) VCF-style: chr1-27092869-TC-GG.
Other names: c.2878+12_2878+13delinsGG (NM_139135.4).
Identifiers: ClinVar variation 3609521 (VCV003609521.2).